The following is an entry in ClinVar:

ClinVar aggregate classification (germline): Uncertain significance (1 of 4 stars; one submission).

Conditions:
Cardiovascular phenotype. Identifiers: MedGen CN230736.

Submission:

Ambry Genetics
Classification: Uncertain significance for Cardiovascular phenotype. Last evaluated: 2025-09-14. Review status: criteria provided, single submitter. Criteria: Ambry Variant Classification Scheme 2023. Collection method: clinical testing. Allele origin: germline.
Comment: The p.I472T variant (also known as c.1415T>C), located in coding exon 12 of the PTPN11 gene, results from a T to C substitution at nucleotide position 1415. The isoleucine at codon 472 is replaced by threonine, an amino acid with similar properties. This amino acid position is conserved. In addition, this alteration is predicted to be deleterious by in silico analysis. Based on the available evidence, the clinical significance of this variant remains unclear.

NM_002834.5(PTPN11):c.1415T>C (p.Ile472Thr)

Gene: PTPN11 (protein tyrosine phosphatase non-receptor type 11; plus strand). Cytogenetic location: 12q24.13.
Variant type: single nucleotide variant.
Coding change: c.1415T>C on transcript NM_002834.5 (MANE Select); coding-DNA position 1415, T replaced by C.
Protein change: p.Ile472Thr; replaces isoleucine 472 with threonine.
Molecular consequence: missense variant.
Genome position (GRCh38, 1-based): chr12:112,488,478, T>C. VCF-style: chr12-112488478-T-C. GRCh37 (hg19) VCF-style: chr12-112926282-T-C.
Other names: c.1427T>C, p.Ile476Thr (NM_001330437.2); c.1412T>C, p.Ile471Thr (NM_001374625.1); short protein forms I476T, I471T, I472T.
Identifiers: ClinVar variation 4147386 (VCV004147386.1).